The following is an entry in ClinVar:

ClinVar aggregate classification (germline): Benign (1 of 4 stars; one submission).

Submission:

GeneDx
Classification: Benign. Last evaluated: 2018-06-19. Review status: criteria provided, single submitter. Criteria: GeneDx Variant Classification (06012015). Collection method: clinical testing. Allele origin: germline. Affected: yes.
Comment: This variant is considered likely benign or benign based on one or more of the following criteria: it is a conservative change, it occurs at a poorly conserved position in the protein, it is predicted to be benign by multiple in silico algorithms, and/or has population frequency not consistent with disease.

NM_003978.5(PSTPIP1):c.1120-44_1120-31del

Gene: PSTPIP1 (proline-serine-threonine phosphatase interacting protein 1; plus strand). Cytogenetic location: 15q24.3.
Variant type: Microsatellite.
Coding change: c.1120-44_1120-31del on transcript NM_003978.5 (MANE Select); 44 bases into the intron before coding-DNA position 1120 through 31 bases into the intron before coding-DNA position 1120, 14 bases deleted (CTGCAGGCCCTTCC).
Molecular consequence: intron variant.
Genome position (GRCh38, 1-based): chr15:77,037,001-77,037,014, CTGCAGGCCCTTCC deleted; deleting any 14 consecutive bases within chr15:77,036,984-77,037,014 gives the same sequence; the c. name uses the placement nearest the transcript's 3' end. VCF-style (leftmost placement, unchanged base first): chr15-77036983-CTCCCTGCAGGCCCT-C. GRCh37 (hg19) VCF-style: chr15-77329324-CTCCCTGCAGGCCCT-C.
Other names: c.1315-44_1315-31del (NM_001321137.1); c.1093-44_1093-31del (NM_001321136.2); c.1063-44_1063-31del (NM_001321135.2).
Identifiers: ClinVar variation 670319 (VCV000670319.1), dbSNP rs201788590, ClinGen allele CA273766022.